The following is an entry in ClinVar:

ClinVar aggregate classification (germline): Uncertain significance (1 of 4 stars; one submission).

Conditions:
Inborn genetic diseases. Identifiers: MedGen C0950123, MeSH D030342.

Submission:

Ambry Genetics
Classification: Uncertain significance for Inborn genetic diseases. Last evaluated: 2024-01-30. Review status: criteria provided, single submitter. Criteria: Ambry Variant Classification Scheme 2023. Collection method: clinical testing. Allele origin: germline.
Comment: The c.1405C>T (p.L469F) alteration is located in exon 8 (coding exon 8) of the SLC40A1 gene. This alteration results from a C to T substitution at nucleotide position 1405, causing the leucine (L) at amino acid position 469 to be replaced by a phenylalanine (F). This variant was not reported in population-based cohorts in the Genome Aggregation Database (gnomAD). This amino acid position is highly conserved in available vertebrate species. This alteration is predicted to be deleterious by in silico analysis. Based on insufficient or conflicting evidence, the clinical significance of this alteration remains unclear.

NM_014585.6(SLC40A1):c.1405C>T (p.Leu469Phe)

Gene: SLC40A1 (solute carrier family 40 member 1; minus strand). Cytogenetic location: 2q32.2.
Variant type: single nucleotide variant.
Coding change: c.1405C>T on transcript NM_014585.6 (MANE Select); coding-DNA position 1405, C replaced by T.
Protein change: p.Leu469Phe; replaces leucine 469 with phenylalanine.
Molecular consequence: missense variant.
Genome position (GRCh38, 1-based): chr2:189,562,189, G>A on the plus strand (C>T on the coding strand, the complement: SLC40A1 is on the minus strand). VCF-style: chr2-189562189-G-A. GRCh37 (hg19) VCF-style: chr2-190426915-G-A.
Other names: short protein forms L469F.
Identifiers: ClinVar variation 3164752 (VCV003164752.1), dbSNP rs2468764391, ClinGen allele CA349987093.